The following is an entry in ClinVar:

ClinVar aggregate classification (germline): Uncertain significance (1 of 4 stars; one submission).

Allele frequency attached by ClinVar (database versions not stated): gnomAD exomes below 0.00001; gnomAD 0.00002; TOPMed 0.00003.
gnomAD v4.1: 6 of 1,195,476 alleles (0.0005%); highest among the groups gnomAD compares: African/African-American, 0.0071%; no homozygotes.

Submission:

Labcorp Genetics (formerly Invitae), Labcorp
Classification: Uncertain significance. Last evaluated: 2025-02-17. Review status: criteria provided, single submitter. Criteria: Invitae Variant Classification Sherloc (09022015). Collection method: clinical testing. Allele origin: germline.
Comment: This sequence change replaces proline, which is neutral and non-polar, with serine, which is neutral and polar, at codon 624 of the COL4A6 protein (p.Pro624Ser). This variant is present in population databases (no rsID available, gnomAD 0.02%). This variant has not been reported in the literature in individuals affected with COL4A6-related conditions. ClinVar contains an entry for this variant (Variation ID: 1988519). Invitae Evidence Modeling of protein sequence and biophysical properties (such as structural, functional, and spatial information, amino acid conservation, physicochemical variation, residue mobility, and thermodynamic stability) indicates that this missense variant is not expected to disrupt COL4A6 protein function with a negative predictive value of 80%. In summary, the available evidence is currently insufficient to determine the role of this variant in disease. Therefore, it has been classified as a Variant of Uncertain Significance.

NM_033641.4(COL4A6):c.1867C>T (p.Pro623Ser)

Gene: COL4A6 (collagen type IV alpha 6 chain; minus strand). Cytogenetic location: Xq22.3.
Variant type: single nucleotide variant.
Coding change: c.1867C>T on transcript NM_033641.4 (MANE Select); coding-DNA position 1867, C replaced by T.
Protein change: p.Pro623Ser; replaces proline 623 with serine.
Molecular consequence: missense variant.
Genome position (GRCh38, 1-based): chrX:108,187,180, G>A on the plus strand (C>T on the coding strand, the complement: COL4A6 is on the minus strand). VCF-style: chrX-108187180-G-A. GRCh37 (hg19) VCF-style: chrX-107430410-G-A.
Other names: c.1867C>T, p.Pro623Ser (NM_001287758.2, NM_001287759.2, NM_001287760.2); c.1870C>T, p.Pro624Ser (NM_001847.4); short protein forms P623S, P624S.
Identifiers: ClinVar variation 1988519 (VCV001988519.4), dbSNP rs1347419940, ClinGen allele CA413860041.